The following is an entry in ClinVar:

ClinVar aggregate classification (germline): Uncertain significance (1 of 4 stars; one submission).

Conditions:
Hereditary cancer-predisposing syndrome. Also called: Hereditary Cancer Syndrome; Neoplastic Syndromes, Hereditary; Tumor predisposition; Hereditary neoplastic syndrome. Identifiers: Orphanet 140162, MedGen C0027672, MeSH D009386, MONDO:0015356.

Allele frequency attached by ClinVar (database versions not stated): gnomAD exomes below 0.00001.
gnomAD v4.1: 1 of 1,612,944 alleles (0.000062%); highest among the groups gnomAD compares: Non-Finnish European, 0.000085%; no homozygotes.

Submission:

Ambry Genetics
Classification: Uncertain significance for Hereditary cancer-predisposing syndrome. Last evaluated: 2025-10-22. Review status: criteria provided, single submitter. Criteria: Ambry Variant Classification Scheme 2023. Collection method: clinical testing. Allele origin: germline.
Comment: The p.L18P variant (also known as c.53T>C), located in coding exon 2 of the XRCC2 gene, results from a T to C substitution at nucleotide position 53. The leucine at codon 18 is replaced by proline, an amino acid with similar properties. This amino acid position is conserved. In addition, the in silico prediction for this alteration is inconclusive. Since supporting evidence is limited at this time, the clinical significance of this alteration remains unclear.

NM_005431.2(XRCC2):c.53T>C (p.Leu18Pro)

Gene: XRCC2 (X-ray repair cross complementing 2; minus strand). Cytogenetic location: 7q36.1.
Variant type: single nucleotide variant.
Coding change: c.53T>C on transcript NM_005431.2 (MANE Select); coding-DNA position 53, T replaced by C.
Protein change: p.Leu18Pro; replaces leucine 18 with proline.
Molecular consequence: missense variant.
Genome position (GRCh38, 1-based): chr7:152,660,769, A>G on the plus strand (T>C on the coding strand, the complement: XRCC2 is on the minus strand). VCF-style: chr7-152660769-A-G. GRCh37 (hg19) VCF-style: chr7-152357854-A-G.
Other names: short protein forms L18P.
Identifiers: ClinVar variation 1747306 (VCV001747306.3), dbSNP rs2485896909, ClinGen allele CA370199539.